The following is an entry in ClinVar:

NM_001184900.3(CARD8):c.180dup (p.Gln61fs)

Gene: CARD8 (caspase recruitment domain family member 8; minus strand). Cytogenetic location: 19q13.33.
Variant type: Duplication.
Coding change: c.180dup on transcript NM_001184900.3 (MANE Select); coding-DNA position 180, one base duplicated (T; older notation c.180dupT).
Protein change: p.Gln61fs; shifts the reading frame from glutamine 61.
Molecular consequence: frameshift variant. On other transcripts: 5 prime UTR variant (1), non-coding transcript variant (1), intron variant (11).
Genome position (GRCh38, 1-based): chr19:48,238,412, A duplicated on the plus strand (T on the coding strand, the reverse complement: CARD8 is on the minus strand); the first of 8 consecutive A bases (chr19:48,238,412-48,238,419); duplicating any one gives the same sequence. VCF-style (leftmost placement, unchanged base first): chr19-48238411-G-GA. GRCh37 (hg19) VCF-style: chr19-48741668-G-GA.
Other names: c.180dup, p.Gln61fs (NM_001184902.2, NM_001184903.1, NM_001184904.2 and 1 more transcripts); c.-23dup (NM_001351790.2); c.-66+2550dup (NM_001351787.2, NM_001351791.2, NM_001351792.2 and 2 more transcripts); c.59+2550dup (NM_001351788.2, NM_001351789.2, NM_014959.5 and 2 more transcripts); c.-280+2550dup (NM_001351786.2); short protein forms Q61fs.
Identifiers: ClinVar variation 4687999 (VCV004687999.3), dbSNP rs753299915.
Genomic context (GRCh38, chr19:48,238,411, plus strand): 5'-TAATTTTTTCCCAACAAATAGATGTCCCTTACGTATCATTTGTCACACAGGCCTCAGCCT[G>GA]AAAAAAAATTCCAGTTTTTGTGTATTGCAGTTCCCGTATGCTATTGTCAACCAACAGTTT-3'

ClinVar aggregate classification (germline): Conflicting classifications of pathogenicity. Review status: criteria provided, conflicting classifications (1 of 4 stars). 2 submissions from 2 submitters: Likely pathogenic (1); Uncertain significance (1). Last evaluated 2025-11-22.

Conditions:
Inflammatory bowel disease 30. Also called: INFLAMMATORY BOWEL DISEASE (CROHN DISEASE) 30. Identifiers: MedGen C5436750, MONDO:0033643, OMIM 619079.

Submissions (2):

Dasa
Classification: Uncertain significance. Last evaluated: 2025-11-22. Review status: criteria provided, single submitter. Criteria: DASA Assertion Criteria. Collection method: clinical testing. Allele origin: germline.
Comment: NM_001184900.3(CARD8):c.180dup (p.Gln61Serfs*3) is a frameshift variant in CARD8 predicted to alter the reading frame and introduce a premature termination codon. This variant is rare in population databases. The currently available literature and clinical evidence are not sufficient to establish a definitive association between this variant and the reported condition. Therefore, this variant is classified as a variant of uncertain significance.

Human Genetics Bochum, Ruhr University Bochum
Classification: Likely pathogenic for Inflammatory bowel disease 30. Last evaluated: 2024-06-13. Review status: criteria provided, single submitter. Criteria: ACMG Guidelines, 2015. Collection method: clinical testing. Allele origin: germline. Affected: yes.
Comment: ACMG criteria used to clasify this variant: PVS1, PM2_SUP